The following is an entry in ClinVar:

ClinVar aggregate classification (germline): Uncertain significance (1 of 4 stars; one submission).

Conditions:
Cardiovascular phenotype. Identifiers: MedGen CN230736.

Submission:

Ambry Genetics
Classification: Uncertain significance for Cardiovascular phenotype. Last evaluated: 2025-04-12. Review status: criteria provided, single submitter. Criteria: Ambry Variant Classification Scheme 2023. Collection method: clinical testing. Allele origin: germline.
Comment: The p.R787L variant (also known as c.2360G>T), located in coding exon 15 of the CBL gene, results from a G to T substitution at nucleotide position 2360. The arginine at codon 787 is replaced by leucine, an amino acid with dissimilar properties. This amino acid position is conserved. In addition, this alteration is predicted to be deleterious by in silico analysis. Based on the available evidence, the clinical significance of this variant remains unclear.

NM_005188.4(CBL):c.2360G>T (p.Arg787Leu)

Gene: CBL (Cbl proto-oncogene; plus strand). Cytogenetic location: 11q23.3.
Variant type: single nucleotide variant.
Coding change: c.2360G>T on transcript NM_005188.4 (MANE Select); coding-DNA position 2360, G replaced by T.
Protein change: p.Arg787Leu; replaces arginine 787 with leucine.
Molecular consequence: missense variant.
Genome position (GRCh38, 1-based): chr11:119,298,466, G>T. VCF-style: chr11-119298466-G-T. GRCh37 (hg19) VCF-style: chr11-119169176-G-T.
Other names: short protein forms R787L.
Identifiers: ClinVar variation 3996013 (VCV003996013.1).